The following is an entry in ClinVar:

NM_000026.4(ADSL):c.-44C>G

Gene: ADSL (adenylosuccinate lyase; plus strand). Cytogenetic location: 22q13.1.
Variant type: single nucleotide variant.
Coding change: c.-44C>G on transcript NM_000026.4 (MANE Select); 44 bases upstream of the start codon, C replaced by G.
Molecular consequence: 5 prime UTR variant. On other transcripts: non-coding transcript variant (1).
Genome position (GRCh38, 1-based): chr22:40,346,515, C>G. VCF-style: chr22-40346515-C-G. GRCh37 (hg19) VCF-style: chr22-40742519-C-G.
Other names: c.-44C>G (NM_001123378.3, NM_001363840.3); c.-181C>G (NM_001317923.2).
Identifiers: ClinVar variation 1401453 (VCV001401453.6), dbSNP rs763900902, ClinGen allele CA10247558.

ClinVar aggregate classification (germline): Uncertain significance (1 of 4 stars; one submission).

Conditions:
Adenylosuccinate lyase deficiency (ADSLD). Also called: ADSL DEFICIENCY. Identifiers: Orphanet 46, MedGen C0268126, MONDO:0007068, OMIM 103050.

Allele frequency attached by ClinVar (database versions not stated): gnomAD exomes 0.00001.
gnomAD v4.1: 12 of 1,574,994 alleles (0.00076%); highest among the groups gnomAD compares: Non-Finnish European, 0.001%; no homozygotes.

Submission:

Labcorp Genetics (formerly Invitae), Labcorp
Classification: Uncertain significance for Adenylosuccinate lyase deficiency. Last evaluated: 2021-05-26. Review status: criteria provided, single submitter. Criteria: Invitae Variant Classification Sherloc (09022015). Collection method: clinical testing. Allele origin: germline.
Comment: This variant occurs in a non-coding region of the ADSL gene. It does not change the encoded amino acid sequence of the ADSL protein. In summary, the available evidence is currently insufficient to determine the role of this variant in disease. Therefore, it has been classified as a Variant of Uncertain Significance. Experimental studies and prediction algorithms are not available or were not evaluated, and the functional significance of this variant is currently unknown. This variant has not been reported in the literature in individuals with ADSL-related conditions. The frequency data for this variant in the population databases is considered unreliable, as metrics indicate poor data quality at this position in the ExAC database.